The following is an entry in ClinVar:

ClinVar aggregate classification (germline): Uncertain significance (1 of 4 stars; one submission).

Conditions:
Familial focal epilepsy with variable foci (FPEVF). Identifiers: Orphanet 98820, MedGen C1858477, MONDO:0020310.

gnomAD v4.1: 2 of 1,613,330 alleles (0.00012%); highest among the groups gnomAD compares: Non-Finnish European, 0.00017%; no homozygotes.

Submission:

Labcorp Genetics (formerly Invitae), Labcorp
Classification: Uncertain significance for Familial focal epilepsy with variable foci. Last evaluated: 2025-07-21. Review status: criteria provided, single submitter. Criteria: Invitae Variant Classification Sherloc (09022015). Collection method: clinical testing. Allele origin: germline.
Comment: This sequence change replaces tyrosine, which is neutral and polar, with histidine, which is basic and polar, at codon 408 of the DEPDC5 protein (p.Tyr408His). This variant is present in population databases (rs768204319, gnomAD 0.0009%). This variant has not been reported in the literature in individuals affected with DEPDC5-related conditions. Experimental studies and prediction algorithms are not available or were not evaluated, and the functional significance of this variant is currently unknown. In summary, the available evidence is currently insufficient to determine the role of this variant in disease. Therefore, it has been classified as a Variant of Uncertain Significance.

NM_001242896.3(DEPDC5):c.1222T>C (p.Tyr408His)

Gene: DEPDC5 (DEP domain containing 5, GATOR1 subcomplex subunit; plus strand). Cytogenetic location: 22q12.3.
Variant type: single nucleotide variant.
Coding change: c.1222T>C on transcript NM_001242896.3 (MANE Select); coding-DNA position 1222, T replaced by C.
Protein change: p.Tyr408His; replaces tyrosine 408 with histidine.
Molecular consequence: missense variant. On other transcripts: non-coding transcript variant (5).
Genome position (GRCh38, 1-based): chr22:31,806,126, T>C. VCF-style: chr22-31806126-T-C. GRCh37 (hg19) VCF-style: chr22-32202112-T-C.
Other names: c.1222T>C, p.Tyr408His (NM_001007188.4, NM_001136029.4, NM_001242897.2 and 7 more transcripts); c.1138T>C, p.Tyr380His (NM_001369901.1, NM_001369902.1); short protein forms Y380H, Y408H.
Identifiers: ClinVar variation 4752834 (VCV004752834.1).
Genomic context (GRCh38, chr22:31,806,126, plus strand): 5'-TTGAGTTTTAAAATAAAGGGAATTTAGATTAATGACTCTGTTTGTTTCTTTTACAGTTTC[T>C]ACACATCCAAAAGCCAGCTCTTTTGTAATAGTTTCACCCCACGAATAAAACTGGCAGGAA-3'
Protein context (NP_001229825.1, residues 398-418): NIPHWINHSF[Tyr408His]TSKSQLFCNS